The following is an entry in ClinVar:

ClinVar aggregate classification (germline): Uncertain significance. Review status: criteria provided, multiple submitters, no conflicts (2 of 4 stars). 2 submissions from 2 submitters: Uncertain significance (2). Last evaluated 2025-05-05.

Conditions:
Hereditary cancer-predisposing syndrome. Also called: Neoplastic Syndromes, Hereditary; Tumor predisposition; Hereditary Cancer Syndrome; Hereditary neoplastic syndrome. Identifiers: Orphanet 140162, MedGen C0027672, MeSH D009386, MONDO:0015356.
Gastrointestinal stromal tumor. Also called: Gastrointestinal stromal tumor, somatic; Gastrointestinal stroma tumor. Identifiers: Orphanet 44890, MedGen C0238198, MeSH D046152, MONDO:0011719, OMIM 606764, HP:0100723.

Allele frequency attached by ClinVar (database versions not stated): gnomAD exomes below 0.00001.
gnomAD v4.1: 2 of 1,614,078 alleles (0.00012%); highest among the groups gnomAD compares: Non-Finnish European, 0.00017%; no homozygotes.

Submissions (2):

Labcorp Genetics (formerly Invitae), Labcorp
Classification: Uncertain significance for Gastrointestinal stromal tumor. Last evaluated: 2025-05-05. Review status: criteria provided, single submitter. Criteria: Invitae Variant Classification Sherloc (09022015). Collection method: clinical testing. Allele origin: germline.
Comment: This sequence change replaces isoleucine, which is neutral and non-polar, with valine, which is neutral and non-polar, at codon 573 of the PDGFRA protein (p.Ile573Val). This variant is not present in population databases (gnomAD no frequency). This variant has not been reported in the literature in individuals affected with PDGFRA-related conditions. ClinVar contains an entry for this variant (Variation ID: 845499). Invitae Evidence Modeling of protein sequence and biophysical properties (such as structural, functional, and spatial information, amino acid conservation, physicochemical variation, residue mobility, and thermodynamic stability) indicates that this missense variant is not expected to disrupt PDGFRA protein function with a negative predictive value of 80%. In summary, the available evidence is currently insufficient to determine the role of this variant in disease. Therefore, it has been classified as a Variant of Uncertain Significance.

Ambry Genetics
Classification: Uncertain significance for Hereditary cancer-predisposing syndrome. Last evaluated: 2023-07-27. Review status: criteria provided, single submitter. Criteria: Ambry Variant Classification Scheme 2023. Collection method: clinical testing. Allele origin: germline.
Comment: The p.I573V variant (also known as c.1717A>G), located in coding exon 11 of the PDGFRA gene, results from an A to G substitution at nucleotide position 1717. The isoleucine at codon 573 is replaced by valine, an amino acid with highly similar properties. This amino acid position is conserved. In addition, the in silico prediction for this alteration is inconclusive. Since supporting evidence is limited at this time, the clinical significance of this alteration remains unclear.

NM_006206.6(PDGFRA):c.1717A>G (p.Ile573Val)

Gene: PDGFRA (platelet derived growth factor receptor alpha; plus strand). Cytogenetic location: 4q12.
Variant type: single nucleotide variant.
Coding change: c.1717A>G on transcript NM_006206.6 (MANE Select); coding-DNA position 1717, A replaced by G.
Protein change: p.Ile573Val; replaces isoleucine 573 with valine.
Molecular consequence: missense variant.
Genome position (GRCh38, 1-based): chr4:54,274,904, A>G. VCF-style: chr4-54274904-A-G. GRCh37 (hg19) VCF-style: chr4-55141071-A-G.
Other names: c.1717A>G, p.Ile573Val (NM_001347827.2, NM_001347829.2); c.1792A>G, p.Ile598Val (NM_001347828.2); c.1756A>G, p.Ile586Val (NM_001347830.2); short protein forms I573V, I586V, I598V.
Identifiers: ClinVar variation 845499 (VCV000845499.11), dbSNP rs1723636164, ClinGen allele CA356893157.